The following is an entry in ClinVar:

NM_058195.4(CDKN2A):c.95G>C (p.Gly32Ala)

Gene: CDKN2A (cyclin dependent kinase inhibitor 2A; minus strand). Cytogenetic location: 9p21.3.
Variant type: single nucleotide variant.
Coding change: c.95G>C on transcript NM_058195.4 (MANE Plus Clinical); coding-DNA position 95, G replaced by C.
Protein change: p.Gly32Ala; replaces glycine 32 with alanine.
Molecular consequence: missense variant. On other transcripts: intron variant (1).
Genome position (GRCh38, 1-based): chr9:21,994,237, C>G on the plus strand (G>C on the coding strand, the complement: CDKN2A is on the minus strand). VCF-style: chr9-21994237-C-G. GRCh37 (hg19) VCF-style: chr9-21994236-C-G.
Other names: c.-4+584G>C (NM_001363763.2); short protein forms G32A.
Identifiers: ClinVar variation 4868652 (VCV004868652.1).

ClinVar aggregate classification (germline): Uncertain significance (1 of 4 stars; one submission).

Conditions:
Hereditary cancer-predisposing syndrome. Also called: Tumor predisposition; Hereditary neoplastic syndrome; Hereditary Cancer Syndrome; Neoplastic Syndromes, Hereditary. Identifiers: Orphanet 140162, MedGen C0027672, MeSH D009386, MONDO:0015356.

Submission:

Ambry Genetics
Classification: Uncertain significance for Hereditary cancer-predisposing syndrome. Last evaluated: 2026-05-27. Review status: criteria provided, single submitter. Criteria: Ambry Variant Classification Scheme 2023. Collection method: clinical testing. Allele origin: germline.
Comment: The p.G32A variant (also known as c.95G>C), located in coding exon 1 of the CDKN2A (p14ARF) gene, results from a G to C substitution at nucleotide position 95. The glycine at codon 32 is replaced by alanine, an amino acid with similar properties. This amino acid position is poorly conserved in available vertebrate species. In addition, this alteration is predicted to be tolerated by in silico analysis. Based on the available evidence, the clinical significance of this variant remains unclear.